The following is an entry in ClinVar:

NM_000834.5(GRIN2B):c.1645G>T (p.Ala549Ser)

Gene: GRIN2B (glutamate ionotropic receptor NMDA type subunit 2B; minus strand). Cytogenetic location: 12p13.1.
Variant type: single nucleotide variant.
Coding change: c.1645G>T on transcript NM_000834.5 (MANE Select); coding-DNA position 1645, G replaced by T.
Protein change: p.Ala549Ser; replaces alanine 549 with serine.
Molecular consequence: missense variant.
Genome position (GRCh38, 1-based): chr12:13,615,123, C>A on the plus strand (G>T on the coding strand, the complement: GRIN2B is on the minus strand). VCF-style: chr12-13615123-C-A. GRCh37 (hg19) VCF-style: chr12-13768057-C-A.
Other names: c.1645G>T, p.Ala549Ser (NM_001413992.1); short protein forms A549S.
Identifiers: ClinVar variation 3765963 (VCV003765963.1).
Genomic context (GRCh38, chr12:13,615,123, plus strand): 5'-ACTTCCCCATCCATACGTCCATTTCCTTCCACCAGCAAACCCATCATTTACCTAAGAAGG[C>A]AGAAGGTGAGACAGTCCCATTGCTGCGTGACACCATGACACTGATGCCTGTCTCTATGAA-3'
Protein context (NP_000825.2, residues 539-559): SRSNGTVSPS[Ala549Ser]FLEPFSADVW

ClinVar aggregate classification (germline): Uncertain significance (1 of 4 stars; one submission).

Submission:

GeneDx
Classification: Uncertain significance. Last evaluated: 2024-08-28. Review status: criteria provided, single submitter. Criteria: GeneDx Variant Classification Process June 2021. Collection method: clinical testing. Allele origin: germline. Affected: yes.
Comment: Not observed at significant frequency in large population cohorts (gnomAD); In silico analysis supports that this missense variant has a deleterious effect on protein structure/function; Has not been previously published as pathogenic or benign to our knowledge